The following is an entry in ClinVar:

ClinVar aggregate classification (germline): Pathogenic. Review status: criteria provided, multiple submitters, no conflicts (2 of 4 stars). 2 submissions from 2 submitters: Pathogenic (2). Last evaluated 2025-12-22.

Conditions:
Pyridoxine-dependent epilepsy (EPEO4). Also called: PYRIDOXINE DEPENDENCY WITH SEIZURES; Pyridoxine-Dependent Seizures; Pyridoxine-Dependent Epilepsy - ALDH7A1; EPILEPSY, EARLY-ONSET, 4, VITAMIN B6-DEPENDENT. Identifiers: Orphanet 3006, MedGen C1849508, MONDO:0009945, OMIM 266100. Disease mechanism: loss of function.
ALDH7A1-related disorder. Also called: ALDH7A1-related condition.

Allele frequency attached by ClinVar (database versions not stated): gnomAD exomes below 0.00001.
gnomAD v4.1: 3 of 1,614,160 alleles (0.00019%); highest among the groups gnomAD compares: Admixed American, 0.0033%; no homozygotes.

Submissions (2):

PreventionGenetics, part of Exact Sciences
Classification: Pathogenic for ALDH7A1-related condition. Last evaluated: 2025-12-22. Review status: criteria provided, single submitter. Criteria: ACMG Guidelines, 2015. Collection method: clinical testing. Allele origin: germline.
Comment: The ALDH7A1 c.841C>T variant is predicted to result in premature protein termination (p.Gln281*). This variant was reported in individual with autosomal recessive pyridoxine-dependent epilepsy (reported as p.Gln253Term in Pérez et al. 2013. PubMed ID: 23350806; supplementary data, Coughlin et al. 2019. PubMed ID: 30043187). This variant is reported in 0.0029% of alleles in individuals of Latino descent in gnomAD. Nonsense variants in ALDH7A1 are expected to be pathogenic. This variant is interpreted as pathogenic.

Labcorp Genetics (formerly Invitae), Labcorp
Classification: Pathogenic for Pyridoxine-dependent epilepsy. Last evaluated: 2022-02-06. Review status: criteria provided, single submitter. Criteria: Invitae Variant Classification Sherloc (09022015). Collection method: clinical testing. Allele origin: germline.
Comment: For these reasons, this variant has been classified as Pathogenic. This variant is also known as p.Gln253Term. This premature translational stop signal has been observed in individual(s) with ALDH7A1-related conditions (PMID: 23350806). This variant is present in population databases (no rsID available, gnomAD 0.003%). This sequence change creates a premature translational stop signal (p.Gln281*) in the ALDH7A1 gene. It is expected to result in an absent or disrupted protein product. Loss-of-function variants in ALDH7A1 are known to be pathogenic (PMID: 16491085, 20554659).

Literature cited by the submitters: PubMed 23350806 (cited by Labcorp Genetics (formerly Invitae), Labcorp); PubMed 16491085 (cited by Labcorp Genetics (formerly Invitae), Labcorp); PubMed 20554659 (cited by Labcorp Genetics (formerly Invitae), Labcorp).

NM_001182.5(ALDH7A1):c.841C>T (p.Gln281Ter)

Gene: ALDH7A1 (aldehyde dehydrogenase 7 family member A1; minus strand). Cytogenetic location: 5q23.2.
Variant type: single nucleotide variant.
Coding change: c.841C>T on transcript NM_001182.5 (MANE Select); coding-DNA position 841, C replaced by T.
Protein change: p.Gln281Ter; replaces glutamine 281 with a stop codon.
Molecular consequence: nonsense.
Genome position (GRCh38, 1-based): chr5:126,568,289, G>A on the plus strand (C>T on the coding strand, the complement: ALDH7A1 is on the minus strand). VCF-style: chr5-126568289-G-A. GRCh37 (hg19) VCF-style: chr5-125903981-G-A.
Other names: c.841C>T (NM_001182.4); c.757C>T, p.Gln253Ter (NM_001201377.2); c.841C>T, p.Gln281Ter (NM_001202404.2); short protein forms Q281*, Q253*.
Identifiers: ClinVar variation 1451488 (VCV001451488.7), dbSNP rs1170817007, ClinGen allele CA360729267.